The following is an entry in ClinVar:

NM_004006.3(DMD):c.6721G>T (p.Gly2241Ter)

Gene: DMD (dystrophin; minus strand). Cytogenetic location: Xp21.1.
Variant type: single nucleotide variant.
Coding change: c.6721G>T on transcript NM_004006.3 (MANE Select); coding-DNA position 6721, G replaced by T.
Protein change: p.Gly2241Ter; replaces glycine 2241 with a stop codon.
Molecular consequence: nonsense. On other transcripts: 5 prime UTR variant (5).
Genome position (GRCh38, 1-based): chrX:31,932,121, C>A on the plus strand (G>T on the coding strand, the complement: DMD is on the minus strand). VCF-style: chrX-31932121-C-A. GRCh37 (hg19) VCF-style: chrX-31950238-C-A.
Other names: c.6697G>T, p.Gly2233Ter (NM_000109.4); c.6709G>T, p.Gly2237Ter (NM_004009.3); c.6352G>T, p.Gly2118Ter (NM_004010.3); c.2698G>T, p.Gly900Ter (NM_004011.4); c.2689G>T, p.Gly897Ter (NM_004012.4); c.-660G>T (NM_004013.3, NM_004020.4, NM_004021.3 and 2 more transcripts); short protein forms G900*, G2118*, G2233*, G2237*, G2241*, G897*.
Identifiers: ClinVar variation 2737147 (VCV002737147.3), dbSNP rs2150001373, ClinGen allele CA412658179.

ClinVar aggregate classification (germline): Pathogenic (1 of 4 stars; one submission).

Conditions:
Duchenne muscular dystrophy (DMD). Also called: MUSCULAR DYSTROPHY, PSEUDOHYPERTROPHIC PROGRESSIVE, DUCHENNE TYPE; Duchenne Muscular Dystrophy (DMD). Identifiers: Orphanet 98896, MedGen C0013264, MONDO:0010679, OMIM 310200.

Submission:

Labcorp Genetics (formerly Invitae), Labcorp
Classification: Pathogenic for Duchenne muscular dystrophy. Last evaluated: 2023-04-09. Review status: criteria provided, single submitter. Criteria: Invitae Variant Classification Sherloc (09022015). Collection method: clinical testing. Allele origin: germline.
Comment: For these reasons, this variant has been classified as Pathogenic. This premature translational stop signal has been observed in individual(s) with DMD-related muscular dystrophy (PMID: 19937601). This variant is not present in population databases (gnomAD no frequency). This sequence change creates a premature translational stop signal (p.Gly2241*) in the DMD gene. It is expected to result in an absent or disrupted protein product. Loss-of-function variants in DMD are known to be pathogenic (PMID: 16770791, 25007885).

Literature cited by the submitters: PubMed 19937601; PubMed 16770791; PubMed 25007885.